The following is an entry in ClinVar:

NM_001378454.1(ALMS1):c.11813T>C (p.Leu3938Pro)

Gene: ALMS1 (ALMS1 centrosome and basal body associated protein; plus strand). Cytogenetic location: 2p13.1.
Variant type: single nucleotide variant.
Coding change: c.11813T>C on transcript NM_001378454.1 (MANE Select); coding-DNA position 11813, T replaced by C.
Protein change: p.Leu3938Pro; replaces leucine 3938 with proline.
Molecular consequence: missense variant.
Genome position (GRCh38, 1-based): chr2:73,600,822, T>C. VCF-style: chr2-73600822-T-C. GRCh37 (hg19) VCF-style: chr2-73827949-T-C.
Other names: c.11816T>C, p.Leu3939Pro (NM_015120.4); short protein forms L3938P, L3939P.
Identifiers: ClinVar variation 2449595 (VCV002449595.2), dbSNP rs1398660557, ClinGen allele CA347264734.
Genomic context (GRCh38, chr2:73,600,822, plus strand): 5'-AATTGGAAGAGAACAGTGATGTGACTTCTTGGTCAGAAGAAAAACGTGAAGAGAAAATGC[T>C]CTTTACCGGTTATCCTGAGGACAGAAAGTTAAAAAAGAACAAGAAGAATTCCCATGAAGG-3'
Protein context (NP_001365383.1, residues 3928-3948): WSEEKREEKM[Leu3938Pro]FTGYPEDRKL

ClinVar aggregate classification (germline): Uncertain significance (1 of 4 stars; one submission).

Conditions:
Cardiovascular phenotype. Identifiers: MedGen CN230736.

Allele frequency attached by ClinVar (database versions not stated): gnomAD exomes below 0.00001; TOPMed 0.00001.
gnomAD v4.1: 2 of 1,614,220 alleles (0.00012%); highest among the groups gnomAD compares: African/African-American, 0.0013%; no homozygotes.

Submission:

Ambry Genetics
Classification: Uncertain significance for Cardiovascular phenotype. Last evaluated: 2023-01-27. Review status: criteria provided, single submitter. Criteria: Ambry Variant Classification Scheme 2023. Collection method: clinical testing. Allele origin: germline.
Comment: The p.L3939P variant (also known as c.11816T>C), located in coding exon 18 of the ALMS1 gene, results from a T to C substitution at nucleotide position 11816. The leucine at codon 3939 is replaced by proline, an amino acid with similar properties. This amino acid position is poorly conserved in available vertebrate species. In addition, this alteration is predicted to be tolerated by in silico analysis. Since supporting evidence is limited at this time, the clinical significance of this alteration remains unclear.